The following is an entry in ClinVar:

NM_000051.4(ATM):c.3565C>T (p.Leu1189Phe)

Gene: ATM (ATM serine/threonine kinase; plus strand). Cytogenetic location: 11q22.3.
Variant type: single nucleotide variant.
Coding change: c.3565C>T on transcript NM_000051.4 (MANE Select); coding-DNA position 3565, C replaced by T.
Protein change: p.Leu1189Phe; replaces leucine 1189 with phenylalanine.
Molecular consequence: missense variant.
Genome position (GRCh38, 1-based): chr11:108,281,157, C>T. VCF-style: chr11-108281157-C-T. GRCh37 (hg19) VCF-style: chr11-108151884-C-T.
Other names: c.3565C>T, p.Leu1189Phe (NM_001351834.2); short protein forms L1189F.
Identifiers: ClinVar variation 232416 (VCV000232416.19), dbSNP rs370602633, ClinGen allele CA6265311.

ClinVar aggregate classification (germline): Uncertain significance. Review status: criteria provided, multiple submitters, no conflicts (2 of 4 stars). 5 submissions from 5 submitters: Uncertain significance (5). Last evaluated 2026-01-13.

Conditions:
Hereditary cancer-predisposing syndrome. Also called: Hereditary Cancer Syndrome; Neoplastic Syndromes, Hereditary; Tumor predisposition; Hereditary neoplastic syndrome. Identifiers: Orphanet 140162, MedGen C0027672, MeSH D009386, MONDO:0015356.
Ataxia-telangiectasia syndrome (AT). Also called: Ataxia telangiectasia (A-T); Ataxia-telangiectasia, complementation group E; LOUIS-BAR SYNDROME; Cerebello-oculocutaneous telangiectasia; Immunodeficiency with ataxia telangiectasia; Ataxia-telangiectasia, complementation group D. Identifiers: Orphanet 100, MedGen C0004135, MONDO:0008840, OMIM 208900.
Familial cancer of breast. Also called: Hereditary breast cancer; hereditary breast carcinoma; BREAST CANCER, FAMILIAL. Identifiers: Orphanet 227535, MedGen C0346153, MONDO:0016419, OMIM 114480. Disease mechanism: loss of function.

Allele frequency attached by ClinVar (database versions not stated): TOPMed below 0.00001; ESP Exome Variant Server 0.00008.
gnomAD v4.1: 3 of 1,613,768 alleles (0.00019%); highest among the groups gnomAD compares: East Asian, 0.0022%; no homozygotes.

Submissions (5):

Labcorp Genetics (formerly Invitae), Labcorp
Classification: Uncertain significance for Ataxia-telangiectasia syndrome. Last evaluated: 2026-01-13. Review status: criteria provided, single submitter. Criteria: Invitae Variant Classification Sherloc (09022015). Collection method: clinical testing. Allele origin: germline.
Comment: This sequence change replaces leucine, which is neutral and non-polar, with phenylalanine, which is neutral and non-polar, at codon 1189 of the ATM protein (p.Leu1189Phe). This variant is present in population databases (rs370602633, gnomAD 0.01%). This variant has not been reported in the literature in individuals affected with ATM-related conditions. ClinVar contains an entry for this variant (Variation ID: 232416). Invitae Evidence Modeling of protein sequence and biophysical properties (such as structural, functional, and spatial information, amino acid conservation, physicochemical variation, residue mobility, and thermodynamic stability) indicates that this missense variant is not expected to disrupt ATM protein function with a negative predictive value of 95%. In summary, the available evidence is currently insufficient to determine the role of this variant in disease. Therefore, it has been classified as a Variant of Uncertain Significance.

Color Diagnostics, LLC DBA Color Health
Classification: Uncertain significance for Hereditary cancer-predisposing syndrome. Last evaluated: 2025-09-12. Review status: criteria provided, single submitter. Criteria: ACMG Guidelines, 2015. Collection method: clinical testing. Allele origin: germline.
Comment: This missense variant replaces leucine with phenylalanine at codon 1189 of the ATM protein. Computational prediction suggests that this variant may not impact protein structure and function. To our knowledge, functional studies have not been reported for this variant. This variant has been reported in an individual affected with breast cancer (PMID: 29522266). This variant has been identified in 2/251226 chromosomes in the general population by the Genome Aggregation Database (gnomAD). The available evidence is insufficient to determine the role of this variant in disease conclusively. Therefore, this variant is classified as a Variant of Uncertain Significance.

Ambry Genetics
Classification: Uncertain significance for Hereditary cancer-predisposing syndrome. Last evaluated: 2024-04-03. Review status: criteria provided, single submitter. Criteria: Ambry Variant Classification Scheme 2023. Collection method: clinical testing. Allele origin: germline.
Comment: The p.L1189F variant (also known as c.3565C>T), located in coding exon 23 of the ATM gene, results from a C to T substitution at nucleotide position 3565. The leucine at codon 1189 is replaced by phenylalanine, an amino acid with highly similar properties. This alteration was detected in 1/5589 German BRCA1/2-negative probands with breast cancer (Hauke J et al. Cancer Med, 2018 04;7:1349-1358). This amino acid position is highly conserved in available vertebrate species. In addition, this alteration is predicted to be tolerated by in silico analysis. Since supporting evidence is limited at this time, the clinical significance of this alteration remains unclear.

Baylor Genetics
Classification: Uncertain significance for Familial cancer of breast. Last evaluated: 2023-07-06. Review status: criteria provided, single submitter. Criteria: ACMG Guidelines, 2015. Collection method: clinical testing. Allele origin: unknown.

GeneDx
Classification: Uncertain significance. Last evaluated: 2021-10-28. Review status: criteria provided, single submitter. Criteria: GeneDx Variant Classification Process June 2021. Collection method: clinical testing. Allele origin: germline. Affected: yes.
Comment: Not observed at significant frequency in large population cohorts (Lek et al., 2016); In silico analysis supports that this missense variant does not alter protein structure/function; This variant is associated with the following publications: (PMID: 29522266, 28652578)

Literature cited by the submitters: PubMed 29522266 (cited by Color Diagnostics, LLC DBA Color Health and Ambry Genetics).